The following is an entry in ClinVar:

ClinVar aggregate classification (germline): Likely benign. Review status: criteria provided, multiple submitters, no conflicts (2 of 4 stars). 3 submissions from 3 submitters: Likely benign (3). Last evaluated 2026-04-01.

Allele frequency attached by ClinVar (database versions not stated): ExAC 0.00010; gnomAD exomes 0.00011 and 0.00021; TOPMed 0.00016; gnomAD 0.00020 and 0.00022.
gnomAD v4.1: 336 of 1,614,126 alleles (0.021%); highest among the groups gnomAD compares: Non-Finnish European, 0.026%; no homozygotes.

Submissions (3):

CeGaT Center for Human Genetics Tuebingen
Classification: Likely benign. Last evaluated: 2026-04-01. Review status: criteria provided, single submitter. Criteria: CeGaT Center For Human Genetics Tuebingen Variant Classification Criteria Version 2. Collection method: clinical testing. Allele origin: germline. Affected: yes. Observed: 8 variant alleles.
Comment: KATNIP: BP4, BP7

Labcorp Genetics (formerly Invitae), Labcorp
Classification: Likely benign. Last evaluated: 2026-01-05. Review status: criteria provided, single submitter. Criteria: Invitae Variant Classification Sherloc (09022015). Collection method: clinical testing. Allele origin: germline.

Blueprint Genetics
Classification: Likely benign. Last evaluated: 2024-11-06. Review status: criteria provided, single submitter. Criteria: ACMG Guidelines, 2015. Collection method: clinical testing. Allele origin: germline.

NM_015202.5(KATNIP):c.834T>G (p.Ser278=)

Gene: KATNIP (katanin interacting protein; plus strand). Cytogenetic location: 16p12.1.
Variant type: single nucleotide variant.
Coding change: c.834T>G on transcript NM_015202.5 (MANE Select); coding-DNA position 834, T replaced by G.
Protein change: p.Ser278=; no amino-acid change (serine 278 retained).
Molecular consequence: synonymous variant.
Genome position (GRCh38, 1-based): chr16:27,681,424, T>G. VCF-style: chr16-27681424-T-G. GRCh37 (hg19) VCF-style: chr16-27692745-T-G.
Identifiers: ClinVar variation 795859 (VCV000795859.34), dbSNP rs753980664, ClinGen allele CA7977472.